The following is an entry in ClinVar:

NM_004525.3(LRP2):c.13006C>G (p.Gln4336Glu)

Gene: LRP2 (LDL receptor related protein 2; minus strand). Cytogenetic location: 2q31.1.
Variant type: single nucleotide variant.
Coding change: c.13006C>G on transcript NM_004525.3 (MANE Select); coding-DNA position 13006, C replaced by G.
Protein change: p.Gln4336Glu; replaces glutamine 4336 with glutamic acid.
Molecular consequence: missense variant.
Genome position (GRCh38, 1-based): chr2:169,142,776, G>C on the plus strand (C>G on the coding strand, the complement: LRP2 is on the minus strand). VCF-style: chr2-169142776-G-C. GRCh37 (hg19) VCF-style: chr2-169999286-G-C.
Other names: c.13006C>G (NM_004525.2); short protein forms Q4336E.
Identifiers: ClinVar variation 1986367 (VCV001986367.2), dbSNP rs958677899, ClinGen allele CA59889888.

ClinVar aggregate classification (germline): Uncertain significance. Review status: criteria provided, multiple submitters, no conflicts (2 of 4 stars). 2 submissions from 2 submitters: Uncertain significance (2). Last evaluated 2025-05-19.

Conditions:
Inborn genetic diseases. Identifiers: MedGen C0950123, MeSH D030342.

Allele frequency attached by ClinVar (database versions not stated): TOPMed 0.00006; gnomAD exomes below 0.00001; gnomAD 0.00003.
gnomAD v4.1: 9 of 1,613,924 alleles (0.00056%); highest among the groups gnomAD compares: African/African-American, 0.0093%; no homozygotes.

Submissions (2):

Ambry Genetics
Classification: Uncertain significance for Inborn genetic diseases. Last evaluated: 2025-05-19. Review status: criteria provided, single submitter. Criteria: Ambry Variant Classification Scheme 2023. Collection method: clinical testing. Allele origin: germline.

Labcorp Genetics (formerly Invitae), Labcorp
Classification: Uncertain significance. Last evaluated: 2022-04-13. Review status: criteria provided, single submitter. Criteria: Invitae Variant Classification Sherloc (09022015). Collection method: clinical testing. Allele origin: germline.
Comment: This sequence change replaces glutamine, which is neutral and polar, with glutamic acid, which is acidic and polar, at codon 4336 of the LRP2 protein (p.Gln4336Glu). This variant is present in population databases (no rsID available, gnomAD 0.008%). This variant has not been reported in the literature in individuals affected with LRP2-related conditions. Advanced modeling of protein sequence and biophysical properties (such as structural, functional, and spatial information, amino acid conservation, physicochemical variation, residue mobility, and thermodynamic stability) performed at Invitae indicates that this missense variant is not expected to disrupt LRP2 protein function. In summary, the available evidence is currently insufficient to determine the role of this variant in disease. Therefore, it has been classified as a Variant of Uncertain Significance.